The following is an entry in ClinVar:

ClinVar aggregate classification (germline): Uncertain significance (1 of 4 stars; one submission).

gnomAD v4.1: 5 of 1,613,796 alleles (0.00031%); highest among the groups gnomAD compares: Non-Finnish European, 0.00042%; no homozygotes.

Submission:

Labcorp Genetics (formerly Invitae), Labcorp
Classification: Uncertain significance. Last evaluated: 2024-03-11. Review status: criteria provided, single submitter. Criteria: Invitae Variant Classification Sherloc (09022015). Collection method: clinical testing. Allele origin: germline.
Comment: This sequence change replaces glycine, which is neutral and non-polar, with arginine, which is basic and polar, at codon 187 of the COMP protein (p.Gly187Arg). This variant is not present in population databases (gnomAD no frequency). This variant has not been reported in the literature in individuals affected with COMP-related conditions. Advanced modeling of protein sequence and biophysical properties (such as structural, functional, and spatial information, amino acid conservation, physicochemical variation, residue mobility, and thermodynamic stability) performed at Invitae indicates that this missense variant is not expected to disrupt COMP protein function with a negative predictive value of 80%. In summary, the available evidence is currently insufficient to determine the role of this variant in disease. Therefore, it has been classified as a Variant of Uncertain Significance.

NM_000095.3(COMP):c.559G>A (p.Gly187Arg)

Gene: COMP (cartilage oligomeric matrix protein; minus strand). Cytogenetic location: 19p13.11.
Variant type: single nucleotide variant.
Coding change: c.559G>A on transcript NM_000095.3 (MANE Select); coding-DNA position 559, G replaced by A.
Protein change: p.Gly187Arg; replaces glycine 187 with arginine.
Molecular consequence: missense variant.
Genome position (GRCh38, 1-based): chr19:18,788,883, C>T on the plus strand (G>A on the coding strand, the complement: COMP is on the minus strand). VCF-style: chr19-18788883-C-T. GRCh37 (hg19) VCF-style: chr19-18899692-C-T.
Other names: short protein forms G187R.
Identifiers: ClinVar variation 3643827 (VCV003643827.2).